The following is an entry in ClinVar:

NM_007194.4(CHEK2):c.1131G>C (p.Glu377Asp)

Gene: CHEK2 (checkpoint kinase 2; minus strand). Cytogenetic location: 22q12.1.
Variant type: single nucleotide variant.
Coding change: c.1131G>C on transcript NM_007194.4 (MANE Select); coding-DNA position 1131, G replaced by C.
Protein change: p.Glu377Asp; replaces glutamic acid 377 with aspartic acid.
Molecular consequence: missense variant.
Genome position (GRCh38, 1-based): chr22:28,695,838, C>G on the plus strand (G>C on the coding strand, the complement: CHEK2 is on the minus strand). VCF-style: chr22-28695838-C-G. GRCh37 (hg19) VCF-style: chr22-29091826-C-G.
Other names: c.1260G>C, p.Glu420Asp (NM_001005735.3); c.468G>C, p.Glu156Asp (NM_001257387.3); c.930G>C, p.Glu310Asp (NM_001349956.3); c.1044G>C, p.Glu348Asp (NM_145862.3); short protein forms E348D, E420D, E310D, E156D, E377D.
Identifiers: ClinVar variation 954677 (VCV000954677.10), dbSNP rs2052563481, ClinGen allele CA411097012.

ClinVar aggregate classification (germline): Uncertain significance (1 of 4 stars; one submission).

Conditions:
Familial cancer of breast. Also called: hereditary breast carcinoma; Hereditary breast cancer; BREAST CANCER, FAMILIAL. Identifiers: Orphanet 227535, MedGen C0346153, MONDO:0016419, OMIM 114480. Disease mechanism: loss of function.

Submission:

Labcorp Genetics (formerly Invitae), Labcorp
Classification: Uncertain significance for Familial cancer of breast. Last evaluated: 2019-08-17. Review status: criteria provided, single submitter. Criteria: Invitae Variant Classification Sherloc (09022015). Collection method: clinical testing. Allele origin: germline.
Comment: In summary, the available evidence is currently insufficient to determine the role of this variant in disease. Therefore, it has been classified as a Variant of Uncertain Significance. Algorithms developed to predict the effect of missense changes on protein structure and function are either unavailable or do not agree on the potential impact of this missense change (SIFT: "Deleterious"; PolyPhen-2: "Benign"; Align-GVGD: "Class C0"). This variant has not been reported in the literature in individuals with CHEK2-related conditions. This variant is not present in population databases (ExAC no frequency). This sequence change replaces glutamic acid with aspartic acid at codon 377 of the CHEK2 protein (p.Glu377Asp). The glutamic acid residue is highly conserved and there is a small physicochemical difference between glutamic acid and aspartic acid.